The following is an entry in ClinVar:

ClinVar aggregate classification (germline): Pathogenic. Review status: criteria provided, single submitter (1 of 4 stars). 2 submissions from 2 submitters: Pathogenic (1). 1 of the submissions does not count toward it. Last evaluated 2023-07-12.

Conditions:
VLDLR-related disorder. Also called: VLDLR-related condition.

Allele frequency attached by ClinVar (database versions not stated): gnomAD exomes below 0.00001; TOPMed below 0.00001.
gnomAD v4.1: 4 of 1,614,166 alleles (0.00025%); highest among the groups gnomAD compares: Non-Finnish European, 0.00034%; no homozygotes.

Submissions (2):

Labcorp Genetics (formerly Invitae), Labcorp
Classification: Pathogenic. Last evaluated: 2023-07-12. Review status: criteria provided, single submitter. Criteria: Invitae Variant Classification Sherloc (09022015). Collection method: clinical testing. Allele origin: germline.
Comment: For these reasons, this variant has been classified as Pathogenic. This variant has not been reported in the literature in individuals affected with VLDLR-related conditions. This variant is not present in population databases (gnomAD no frequency). This sequence change creates a premature translational stop signal (p.Arg276*) in the VLDLR gene. It is expected to result in an absent or disrupted protein product. Loss-of-function variants in VLDLR are known to be pathogenic (PMID: 18043714, 18326629, 22532556).

PreventionGenetics, part of Exact Sciences
Classification: Likely pathogenic for VLDLR-related condition. Last evaluated: 2023-11-09. Review status: no assertion criteria provided. Collection method: clinical testing. Allele origin: germline. Not counted in ClinVar's aggregate classification.
Comment: The VLDLR c.826C>T variant is predicted to result in premature protein termination (p.Arg276*). To our knowledge, this variant has not been reported in the literature or in a large population database, indicating this variant is rare. Nonsense variants in VLDLR are expected to be pathogenic. This variant is interpreted as likely pathogenic.

Literature cited by the submitters: PubMed 18043714 (cited by Labcorp Genetics (formerly Invitae), Labcorp); PubMed 18326629 (cited by Labcorp Genetics (formerly Invitae), Labcorp); PubMed 22532556 (cited by Labcorp Genetics (formerly Invitae), Labcorp).

NM_003383.5(VLDLR):c.826C>T (p.Arg276Ter)

Gene: VLDLR (very low density lipoprotein receptor; plus strand). Cytogenetic location: 9p24.2.
Variant type: single nucleotide variant.
Coding change: c.826C>T on transcript NM_003383.5 (MANE Select); coding-DNA position 826, C replaced by T.
Protein change: p.Arg276Ter; replaces arginine 276 with a stop codon.
Molecular consequence: nonsense.
Genome position (GRCh38, 1-based): chr9:2,643,633, C>T. VCF-style: chr9-2643633-C-T. GRCh37 (hg19) VCF-style: chr9-2643633-C-T.
Other names: c.826C>T, p.Arg276Ter (NM_001018056.3); c.703C>T, p.Arg235Ter (NM_001322225.2, NM_001322226.2); c.826C>T (NM_003383.4); short protein forms R235*, R276*.
Identifiers: ClinVar variation 2978710 (VCV002978710.3), dbSNP rs955974361, ClinGen allele CA187952632.